The following is an entry in ClinVar:

NM_032581.4(HYCC1):c.-29+2T>G

Gene: HYCC1 (hyccin PI4KA lipid kinase complex subunit 1; minus strand). Cytogenetic location: 7p15.3.
Variant type: single nucleotide variant.
Coding change: c.-29+2T>G on transcript NM_032581.4 (MANE Select); the canonical splice donor site of the intron after 29 bases upstream of the start codon, T replaced by G.
Molecular consequence: splice donor variant.
Genome position (GRCh38, 1-based): chr7:23,013,923, A>C on the plus strand (T>G on the coding strand, the complement: HYCC1 is on the minus strand). VCF-style: chr7-23013923-A-C. GRCh37 (hg19) VCF-style: chr7-23053542-A-C.
Other names: c.-29+2T>G (NM_001363467.2, NM_001363466.2).
Identifiers: ClinVar variation 2503876 (VCV002503876.1), dbSNP rs2534582703, ClinGen allele CA2580615861.
Genomic context (GRCh38, chr7:23,013,923, plus strand): 5'-AAAAAAGTTATCCGTTGCCGGACGCCCTGGGGGCCCGGCGTGGGTCTCTCGGCTGGACTC[A>C]CCAGGGCGGCTGCCGGAGCTCCACCTGCAGGACCTCGACTCGTGAGGCTCTCAGCGACAG-3'

ClinVar aggregate classification (germline): Uncertain significance (1 of 4 stars; one submission).

Submission:

Women's Health and Genetics/Laboratory Corporation of America, LabCorp
Classification: Uncertain significance. Last evaluated: 2023-03-27. Review status: criteria provided, single submitter. Criteria: LabCorp Variant Classification Summary - May 2015. Collection method: clinical testing. Allele origin: germline.
Comment: Variant summary: FAM126A (HYCC1) c.-29+2T>G is located in a canonical splice-site and is predicted to affect mRNA splicing resulting in a significantly altered protein due to either exon skipping, shortening, or inclusion of intronic material. The variant was absent in 146932 control chromosomes (gnomAD). The available data on variant occurrences in the general population are insufficient to allow any conclusion about variant significance. To our knowledge, no occurrence of c.-29+2T>G in individuals affected with Hypomyelination And Congenital Cataract and no experimental evidence demonstrating its impact on protein function have been reported. No clinical diagnostic laboratories have submitted clinical-significance assessments for this variant to ClinVar after 2014. Based on the evidence outlined above, the variant was classified as uncertain significance.